The following is an entry in ClinVar:

NM_000465.4(BARD1):c.215+10T>C

Gene: BARD1 (BRCA1 associated RING domain 1; minus strand). Cytogenetic location: 2q35.
Variant type: single nucleotide variant.
Coding change: c.215+10T>C on transcript NM_000465.4 (MANE Select); 10 bases into the intron after coding-DNA position 215, T replaced by C.
Molecular consequence: intron variant.
Genome position (GRCh38, 1-based): chr2:214,797,051, A>G on the plus strand (T>C on the coding strand, the complement: BARD1 is on the minus strand). VCF-style: chr2-214797051-A-G. GRCh37 (hg19) VCF-style: chr2-215661775-A-G.
Other names: c.158+12361T>C (NM_001282548.2); c.159-4606T>C (NM_001282543.2); c.215+10T>C (NM_001282545.2, NM_001282549.2).
Identifiers: ClinVar variation 3378582 (VCV003378582.1).

ClinVar aggregate classification (germline): Likely benign (1 of 4 stars; one submission).

Conditions:
Familial cancer of breast. Also called: hereditary breast carcinoma; Hereditary breast cancer; BREAST CANCER, FAMILIAL. Identifiers: Orphanet 227535, MedGen C0346153, MONDO:0016419, OMIM 114480. Disease mechanism: loss of function.

Submission:

Myriad Genetics, Inc.
Classification: Likely benign for Familial cancer of breast. Last evaluated: 2024-07-18. Review status: criteria provided, single submitter. Criteria: Myriad Autosomal Dominant, Autosomal Recessive and X-Linked Classification Criteria (2023). Collection method: clinical testing. Allele origin: unknown.
Comment: This variant is considered likely benign. This variant is intronic and is not expected to impact mRNA splicing.